The following is an entry in ClinVar:

ClinVar aggregate classification (germline): Uncertain significance. Review status: criteria provided, multiple submitters, no conflicts (2 of 4 stars). 2 submissions from 2 submitters: Uncertain significance (2). Last evaluated 2022-08-09.

Conditions:
Glycogen storage disease type III (GSD3). Also called: Cori disease; FORBES DISEASE. Identifiers: Orphanet 366, MedGen C0017922, MONDO:0009291, OMIM 232400.

Allele frequency attached by ClinVar (database versions not stated): gnomAD exomes below 0.00001; TOPMed below 0.00001; gnomAD 0.00001.
gnomAD v4.1: 3 of 1,613,428 alleles (0.00019%); highest among the groups gnomAD compares: Non-Finnish European, 0.00025%; no homozygotes.

Submissions (2):

Blueprint Genetics
Classification: Uncertain significance. Last evaluated: 2022-08-09. Review status: criteria provided, single submitter. Criteria: ACMG Guidelines, 2015. Collection method: clinical testing. Allele origin: germline.

Labcorp Genetics (formerly Invitae), Labcorp
Classification: Uncertain significance for Glycogen storage disease type III. Last evaluated: 2022-03-25. Review status: criteria provided, single submitter. Criteria: Invitae Variant Classification Sherloc (09022015). Collection method: clinical testing. Allele origin: germline.
Comment: This sequence change replaces proline, which is neutral and non-polar, with serine, which is neutral and polar, at codon 948 of the AGL protein (p.Pro948Ser). This variant is present in population databases (no rsID available, gnomAD 0.0009%). This variant has not been reported in the literature in individuals affected with AGL-related conditions. Algorithms developed to predict the effect of missense changes on protein structure and function (SIFT, PolyPhen-2, Align-GVGD) all suggest that this variant is likely to be tolerated. In summary, the available evidence is currently insufficient to determine the role of this variant in disease. Therefore, it has been classified as a Variant of Uncertain Significance.

NM_000642.3(AGL):c.2842C>T (p.Pro948Ser)

Gene: AGL (amylo-alpha-1,6-glucosidase and 4-alpha-glucanotransferase; plus strand). Cytogenetic location: 1p21.2.
Variant type: single nucleotide variant.
Coding change: c.2842C>T on transcript NM_000642.3 (MANE Select); coding-DNA position 2842, C replaced by T.
Protein change: p.Pro948Ser; replaces proline 948 with serine.
Molecular consequence: missense variant.
Genome position (GRCh38, 1-based): chr1:99,891,249, C>T. VCF-style: chr1-99891249-C-T. GRCh37 (hg19) VCF-style: chr1-100356805-C-T.
Other names: c.2842C>T, p.Pro948Ser (NM_000028.3, NM_000643.3, NM_000644.3 and 1 more transcripts); c.2794C>T, p.Pro932Ser (NM_000646.3); c.2821C>T, p.Pro941Ser (NM_001425326.1); c.2641C>T, p.Pro881Ser (NM_001425327.1); c.2638C>T, p.Pro880Ser (NM_001425328.1); c.2503C>T, p.Pro835Ser (NM_001425329.1); c.2464C>T, p.Pro822Ser (NM_001425332.1); short protein forms P948S, P932S, P822S, P835S, P880S, P881S, P941S.
Identifiers: ClinVar variation 2175920 (VCV002175920.2), dbSNP rs1169515359, ClinGen allele CA341324958.